The following is an entry in ClinVar:

NM_020461.4(TUBGCP6):c.3417C>T (p.Asn1139=)

Gene: TUBGCP6 (tubulin gamma complex component 6; minus strand). Cytogenetic location: 22q13.33.
Variant type: single nucleotide variant.
Coding change: c.3417C>T on transcript NM_020461.4 (MANE Select); coding-DNA position 3417, C replaced by T.
Protein change: p.Asn1139=; no amino-acid change (asparagine 1139 retained).
Molecular consequence: synonymous variant.
Genome position (GRCh38, 1-based): chr22:50,220,942, G>A on the plus strand (C>T on the coding strand, the complement: TUBGCP6 is on the minus strand). VCF-style: chr22-50220942-G-A. GRCh37 (hg19) VCF-style: chr22-50659371-G-A.
Other names: c.3417C>T (NM_020461.3).
Identifiers: ClinVar variation 1114933 (VCV001114933.12), dbSNP rs142163520, ClinGen allele CA10307956.
Genomic context (GRCh38, chr22:50,220,942, plus strand): 5'-GTTCCACCGTGGCCGGGTGGGAGCCACGTCCGACACGTTCTCCCCAACCCTGATGCTGGC[G>A]TTGGACACGTGCCCGTGGGTATTCCACCGTGGCCTGGTGGGAGCCACATCTGACACATTC-3'
Protein context (NP_065194.3, residues 1129-1149): PRWNTHGHVS[Asn1139=]ASIRVGENVS

ClinVar aggregate classification (germline): Likely benign. Review status: criteria provided, multiple submitters, no conflicts (2 of 4 stars). 3 submissions from 3 submitters: Likely benign (2). 1 of the submissions does not count toward it. Last evaluated 2025-09-09.

Conditions:
TUBGCP6-related disorder. Also called: TUBGCP6-related condition.

Allele frequency attached by ClinVar (database versions not stated): gnomAD exomes 0.00008 and 0.00011; ExAC 0.00009; ESP Exome Variant Server 0.00015; gnomAD 0.00040 and 0.00043.

Submissions (3):

Labcorp Genetics (formerly Invitae), Labcorp
Classification: Likely benign. Last evaluated: 2025-09-09. Review status: criteria provided, single submitter. Criteria: Invitae Variant Classification Sherloc (09022015). Collection method: clinical testing. Allele origin: germline.

Blueprint Genetics
Classification: Likely benign. Last evaluated: 2023-06-19. Review status: criteria provided, single submitter. Criteria: ACMG Guidelines, 2015. Collection method: clinical testing. Allele origin: germline.

PreventionGenetics, part of Exact Sciences
Classification: Likely benign for TUBGCP6-related condition. Last evaluated: 2019-03-20. Review status: no assertion criteria provided. Collection method: clinical testing. Allele origin: germline. Not counted in ClinVar's aggregate classification.
Comment: This variant is classified as likely benign based on ACMG/AMP sequence variant interpretation guidelines (Richards et al. 2015 PMID: 25741868, with internal and published modifications).